The following is an entry in ClinVar:

ClinVar aggregate classification (germline): Conflicting classifications of pathogenicity. Review status: criteria provided, conflicting classifications (1 of 4 stars). 3 submissions from 3 submitters: Uncertain significance (2); Likely benign (1). Last evaluated 2025-10-10.

Conditions:
Age related macular degeneration 1 (ARMD1). Also called: MACULOPATHY, AGE-RELATED, 1. Identifiers: MedGen C1864205, MONDO:0011285, OMIM 603075.

Allele frequency attached by ClinVar (database versions not stated): gnomAD 0.00001; TOPMed 0.00002; gnomAD exomes 0.00004; ExAC 0.00005.
gnomAD v4.1: 62 of 1,613,096 alleles (0.0038%); highest among the groups gnomAD compares: South Asian, 0.018%; no homozygotes.

Submissions (3):

Labcorp Genetics (formerly Invitae), Labcorp
Classification: Uncertain significance. Last evaluated: 2025-10-10. Review status: criteria provided, single submitter. Criteria: Invitae Variant Classification Sherloc (09022015). Collection method: clinical testing. Allele origin: germline.
Comment: This sequence change replaces histidine, which is basic and polar, with arginine, which is basic and polar, at codon 3061 of the HMCN1 protein (p.His3061Arg). This variant is present in population databases (rs748058327, gnomAD 0.02%). This variant has not been reported in the literature in individuals affected with HMCN1-related conditions. ClinVar contains an entry for this variant (Variation ID: 294208). An algorithm developed to predict the effect of missense changes on protein structure and function outputs the following: PolyPhen-2: "Benign". The arginine amino acid residue is found in multiple mammalian species, which suggests that this missense change does not adversely affect protein function. In summary, the available evidence is currently insufficient to determine the role of this variant in disease. Therefore, it has been classified as a Variant of Uncertain Significance.

CeGaT Center for Human Genetics Tuebingen
Classification: Likely benign. Last evaluated: 2023-06-01. Review status: criteria provided, single submitter. Criteria: CeGaT Center For Human Genetics Tuebingen Variant Classification Criteria Version 2. Collection method: clinical testing. Allele origin: germline. Affected: yes. Observed: 1 variant allele.
Comment: HMCN1: BP4

Illumina Laboratory Services, Illumina
Classification: Uncertain significance for Age related macular degeneration 1. Last evaluated: 2018-01-13. Review status: criteria provided, single submitter. Criteria: ICSL Variant Classification Criteria 13 December 2019. Collection method: clinical testing. Allele origin: germline.

NM_031935.3(HMCN1):c.9182A>G (p.His3061Arg)

Gene: HMCN1 (hemicentin 1; plus strand). Cytogenetic location: 1q31.1.
Variant type: single nucleotide variant.
Coding change: c.9182A>G on transcript NM_031935.3 (MANE Select); coding-DNA position 9182, A replaced by G.
Protein change: p.His3061Arg; replaces histidine 3061 with arginine.
Molecular consequence: missense variant.
Genome position (GRCh38, 1-based): chr1:186,087,464, A>G. VCF-style: chr1-186087464-A-G. GRCh37 (hg19) VCF-style: chr1-186056596-A-G.
Other names: short protein forms H3061R.
Identifiers: ClinVar variation 294208 (VCV000294208.37), dbSNP rs748058327, ClinGen allele CA1293351.